The following is an entry in ClinVar:

NM_001252024.2(TRPM1):c.2737dup (p.Ile913fs)

Genes: TRPM1 (transient receptor potential cation channel subfamily M member 1; minus strand), TRPM1-AS1 (TRPM1 antisense RNA 1; plus strand). Cytogenetic location: 15q13.3.
Variant type: Duplication.
Coding change: c.2737dup on transcript NM_001252024.2 (MANE Select); coding-DNA position 2737, one base duplicated (A; older notation c.2737dupA).
Protein change: p.Ile913fs; shifts the reading frame from isoleucine 913.
Molecular consequence: frameshift variant.
Genome position (GRCh38, 1-based): chr15:31,032,904, T duplicated on the plus strand (A on the coding strand, the reverse complement: TRPM1 is on the minus strand); the first of 4 consecutive T bases (chr15:31,032,904-31,032,907); duplicating any one gives the same sequence. VCF-style (leftmost placement, unchanged base first): chr15-31032903-A-AT. GRCh37 (hg19) VCF-style: chr15-31325106-A-AT.
Other names: c.2788dup, p.Ile930fs (NM_001252020.2); c.2671dup, p.Ile891fs (NM_002420.6); short protein forms I891fs, I930fs, I913fs.
Identifiers: ClinVar variation 1996737 (VCV001996737.4), dbSNP rs2504069166, ClinGen allele CA2580089321.

ClinVar aggregate classification (germline): Pathogenic (1 of 4 stars; one submission).

Submission:

Labcorp Genetics (formerly Invitae), Labcorp
Classification: Pathogenic. Last evaluated: 2022-11-22. Review status: criteria provided, single submitter. Criteria: Invitae Variant Classification Sherloc (09022015). Collection method: clinical testing. Allele origin: germline.
Comment: This sequence change creates a premature translational stop signal (p.Ile891Asnfs*137) in the TRPM1 gene. It is expected to result in an absent or disrupted protein product. Loss-of-function variants in TRPM1 are known to be pathogenic (PMID: 19896113, 19966281, 20300565). This variant is not present in population databases (gnomAD no frequency). This variant has not been reported in the literature in individuals affected with TRPM1-related conditions. For these reasons, this variant has been classified as Pathogenic.

Literature cited by the submitters: PubMed 19896113; PubMed 19966281; PubMed 20300565.